The following is an entry in ClinVar:

NM_001352754.2(ARMC9):c.1334+5C>T

Gene: ARMC9 (armadillo repeat containing 9; plus strand). Cytogenetic location: 2q37.1.
Variant type: single nucleotide variant.
Coding change: c.1334+5C>T on transcript NM_001352754.2 (MANE Select); 5 bases into the intron after coding-DNA position 1334, C replaced by T.
Molecular consequence: intron variant.
Genome position (GRCh38, 1-based): chr2:231,273,083, C>T. VCF-style: chr2-231273083-C-T. GRCh37 (hg19) VCF-style: chr2-232137796-C-T.
Other names: c.1334+5C>T (NM_001271466.4, NM_001352755.2, NM_001352756.2 and 3 more transcripts); c.1235+5C>T (NM_001352757.2, NM_001352758.2).
Identifiers: ClinVar variation 1003294 (VCV001003294.5), dbSNP rs750105595, ClinGen allele CA2160281.

ClinVar aggregate classification (germline): Uncertain significance (1 of 4 stars; one submission).

Allele frequency attached by ClinVar (database versions not stated): gnomAD exomes below 0.00001; ExAC 0.00001.
gnomAD v4.1: 4 of 1,611,970 alleles (0.00025%); highest among the groups gnomAD compares: East Asian, 0.0022%; no homozygotes.

Submission:

Labcorp Genetics (formerly Invitae), Labcorp
Classification: Uncertain significance. Last evaluated: 2024-05-07. Review status: criteria provided, single submitter. Criteria: Invitae Variant Classification Sherloc (09022015). Collection method: clinical testing. Allele origin: germline.
Comment: This sequence change falls in intron 13 of the ARMC9 gene. It does not directly change the encoded amino acid sequence of the ARMC9 protein. It affects a nucleotide within the consensus splice site. This variant is present in population databases (rs750105595, gnomAD 0.006%). This variant has not been reported in the literature in individuals affected with ARMC9-related conditions. ClinVar contains an entry for this variant (Variation ID: 1003294). Variants that disrupt the consensus splice site are a relatively common cause of aberrant splicing (PMID: 17576681, 9536098). Algorithms developed to predict the effect of sequence changes on RNA splicing suggest that this variant is not likely to affect RNA splicing. In summary, the available evidence is currently insufficient to determine the role of this variant in disease. Therefore, it has been classified as a Variant of Uncertain Significance.

Literature cited by the submitters: PubMed 17576681; PubMed 9536098.